The following is an entry in ClinVar:

NM_001384140.1(PCDH15):c.465A>G (p.Thr155=)

Gene: PCDH15 (protocadherin related 15; minus strand). Cytogenetic location: 10q21.1.
Variant type: single nucleotide variant.
Coding change: c.465A>G on transcript NM_001384140.1 (MANE Select); coding-DNA position 465, A replaced by G.
Protein change: p.Thr155=; no amino-acid change (threonine 155 retained).
Molecular consequence: synonymous variant.
Genome position (GRCh38, 1-based): chr10:54,369,129, T>C on the plus strand (A>G on the coding strand, the complement: PCDH15 is on the minus strand). VCF-style: chr10-54369129-T-C. GRCh37 (hg19) VCF-style: chr10-56128889-T-C.
Other names: c.480A>G, p.Thr160= (NM_001142763.2, NM_001142769.4, NM_001142771.2); c.465A>G, p.Thr155= (NM_001142764.2, NM_001142765.2, NM_001142766.2 and 8 more transcripts); c.399A>G, p.Thr133= (NM_001142768.2, NM_001142773.2, NM_001354404.2).
Identifiers: ClinVar variation 1541694 (VCV001541694.8), dbSNP rs559193058, ClinGen allele CA469525559.

ClinVar aggregate classification (germline): Conflicting classifications of pathogenicity. Review status: criteria provided, conflicting classifications (1 of 4 stars). 2 submissions from 2 submitters: Uncertain significance (1); Likely benign (1). Last evaluated 2022-09-08.

Conditions:
PCDH15-related disorder. Also called: PCDH15-related condition; PCDH15-related disorders.

Submissions (2):

PreventionGenetics, part of Exact Sciences
Classification: Uncertain significance for PCDH15-related condition. Last evaluated: 2022-09-08. Review status: criteria provided, single submitter. Criteria: ACMG Guidelines, 2015. Collection method: clinical testing. Allele origin: germline.
Comment: The PCDH15 c.465A>G variant is not predicted to result in an amino acid change (p.=). This variant is predicted to create a splice donor site that would result in an in-frame three amino acid deletion (Alamut Visual v2.11), although functional experiments have not been performed. To our knowledge, this variant has not been reported in the literature or in a large population database, indicating this variant is rare. At this time, the clinical significance of this variant is uncertain due to the absence of conclusive functional and genetic evidence.

Labcorp Genetics (formerly Invitae), Labcorp
Classification: Likely benign. Last evaluated: 2022-07-13. Review status: criteria provided, single submitter. Criteria: Invitae Variant Classification Sherloc (09022015). Collection method: clinical testing. Allele origin: germline.